The following is an entry in ClinVar:

ClinVar aggregate classification (germline): Conflicting classifications of pathogenicity. Review status: criteria provided, conflicting classifications (1 of 4 stars). 2 submissions from 2 submitters: Uncertain significance (1); Likely benign (1). Last evaluated 2024-04-01.

Submissions (2):

CeGaT Center for Human Genetics Tuebingen
Classification: Uncertain significance. Last evaluated: 2024-04-01. Review status: criteria provided, single submitter. Criteria: CeGaT Center For Human Genetics Tuebingen Variant Classification Criteria Version 2. Collection method: clinical testing. Allele origin: germline. Affected: yes. Observed: 1 variant allele.
Comment: SETBP1: PM2, BP4

Labcorp Genetics (formerly Invitae), Labcorp
Classification: Likely benign. Last evaluated: 2022-11-15. Review status: criteria provided, single submitter. Criteria: Invitae Variant Classification Sherloc (09022015). Collection method: clinical testing. Allele origin: germline.

NM_015559.3(SETBP1):c.4166A>G (p.Asp1389Gly)

Gene: SETBP1 (SET binding protein 1; plus strand). Cytogenetic location: 18q12.3.
Variant type: single nucleotide variant.
Coding change: c.4166A>G on transcript NM_015559.3 (MANE Select); coding-DNA position 4166, A replaced by G.
Protein change: p.Asp1389Gly; replaces aspartic acid 1389 with glycine.
Molecular consequence: missense variant.
Genome position (GRCh38, 1-based): chr18:45,038,650, A>G. VCF-style: chr18-45038650-A-G. GRCh37 (hg19) VCF-style: chr18-42618615-A-G.
Other names: c.4166A>G, p.Asp1389Gly (NM_001379141.1, NM_001379142.1); short protein forms D1389G.
Identifiers: ClinVar variation 1506071 (VCV001506071.26), dbSNP rs2145495807, ClinGen allele CA402482654.
Genomic context (GRCh38, chr18:45,038,650, plus strand): 5'-GTGTTACAATTCCACCAGCCCCAGTGTTATCTCTCCTTGCTGCATCTGCAGCAACGTCGG[A>G]TGCAGGTGAGCACTTTTCAGATGCTTTGGGTTCACCCCAAGCAAGATGAATGTGGAGAAA-3'
Protein context (NP_056374.2, residues 1379-1399): SLLAASAATS[Asp1389Gly]AVGSSLKKRF